The following is an entry in ClinVar:

ClinVar aggregate classification (germline): Likely pathogenic (1 of 4 stars; one submission).

gnomAD v4.1: 1 of 1,597,704 alleles (0.000063%); highest among the groups gnomAD compares: Non-Finnish European, 0.000085%; no homozygotes.

Submission:

GeneDx
Classification: Likely pathogenic. Last evaluated: 2019-12-31. Review status: criteria provided, single submitter. Criteria: GeneDx Variant Classification Process June 2021. Collection method: clinical testing. Allele origin: germline. Affected: yes.
Comment: Not observed in large population cohorts (Lek et al., 2016); In silico analysis, which includes protein predictors and evolutionary conservation, supports a deleterious effect; Has not been previously published as pathogenic or benign to our knowledge

NM_001005273.3(CHD3):c.4141C>T (p.Arg1381Cys)

Gene: CHD3 (chromodomain helicase DNA binding protein 3; plus strand). Cytogenetic location: 17p13.1.
Variant type: single nucleotide variant.
Coding change: c.4141C>T on transcript NM_001005273.3 (MANE Select); coding-DNA position 4141, C replaced by T.
Protein change: p.Arg1381Cys; replaces arginine 1381 with cysteine.
Molecular consequence: missense variant.
Genome position (GRCh38, 1-based): chr17:7,905,623, C>T. VCF-style: chr17-7905623-C-T. GRCh37 (hg19) VCF-style: chr17-7808941-C-T.
Other names: c.4318C>T, p.Arg1440Cys (NM_001005271.3); c.4141C>T, p.Arg1381Cys (NM_005852.4); short protein forms R1381C, R1440C.
Identifiers: ClinVar variation 1218410 (VCV001218410.3), dbSNP rs2151627168, ClinGen allele CA397945029.